The following is an entry in ClinVar:

NM_015409.5(EP400):c.1990A>G (p.Thr664Ala)

Gene: EP400 (E1A binding protein p400; plus strand). Cytogenetic location: 12q24.33.
Variant type: single nucleotide variant.
Coding change: c.1990A>G on transcript NM_015409.5 (MANE Select); coding-DNA position 1990, A replaced by G.
Protein change: p.Thr664Ala; replaces threonine 664 with alanine.
Molecular consequence: missense variant.
Genome position (GRCh38, 1-based): chr12:131,986,574, A>G. VCF-style: chr12-131986574-A-G. GRCh37 (hg19) VCF-style: chr12-132471119-A-G.
Other names: short protein forms T664A.
Identifiers: ClinVar variation 996262 (VCV000996262.2), dbSNP rs1201953707, ClinGen allele CA387322523.
Genomic context (GRCh38, chr12:131,986,574, plus strand): 5'-ATGGTAGCATCGACAAGGCTCCCTGTGGACCCTGCCCCGCCCTGCCCACGGCCTCTGCCC[A>G]CCTCTTCTACCTCGTCCCTCGCGCCTGTGAGTGGCTCCGGCCCAGGACCCTCCCCTGCTC-3'
Protein context (NP_056224.3, residues 654-674): PAPPCPRPLP[Thr664Ala]SSTSSLAPVS

ClinVar aggregate classification (germline): Uncertain significance. Review status: criteria provided, multiple submitters, no conflicts (2 of 4 stars). 2 submissions from 2 submitters: Uncertain significance (2). Last evaluated 2025-03-26.

Allele frequency attached by ClinVar (database versions not stated): gnomAD exomes below 0.00001; TOPMed below 0.00001.
gnomAD v4.1: 3 of 1,613,512 alleles (0.00019%); highest among the groups gnomAD compares: East Asian, 0.0022%; no homozygotes.

Submissions (2):

Ambry Genetics
Classification: Uncertain significance. Last evaluated: 2025-03-26. Review status: criteria provided, single submitter. Criteria: Ambry Variant Classification Scheme 2023. Collection method: clinical testing. Allele origin: germline.

Women's Health and Genetics/Laboratory Corporation of America, LabCorp
Classification: Uncertain significance. Last evaluated: 2021-01-11. Review status: criteria provided, single submitter. Criteria: LabCorp Variant Classification Summary - May 2015. Collection method: clinical testing. Allele origin: germline.
Comment: Variant summary: EP400 c.1990A>G (p.Thr664Ala) results in a non-conservative amino acid change in the encoded protein sequence. Four of five in-silico tools predict a benign effect of the variant on protein function. The variant allele was found at a frequency of 4e-06 in 250926 control chromosomes (gnomAD). The available data on variant occurrences in the general population are insufficient to allow any conclusion about variant significance. To our knowledge, no occurrence of c.1990A>G in individuals affected with EP400-Related Disorders and no experimental evidence demonstrating its impact on protein function have been reported. No clinical diagnostic laboratories have submitted clinical-significance assessments for this variant to ClinVar after 2014. Based on the evidence outlined above, the variant was classified as uncertain significance.